The following is an entry in ClinVar:

ClinVar aggregate classification (germline): Likely benign. Review status: criteria provided, multiple submitters, no conflicts (2 of 4 stars). 2 submissions from 2 submitters: Likely benign (2). Last evaluated 2025-04-25.

Conditions:
Tuberous sclerosis 1 (TSC1). Identifiers: Orphanet 805, MedGen C1854465, MONDO:0008612, OMIM 191100.

Submissions (2):

Myriad Genetics, Inc.
Classification: Likely benign for Tuberous sclerosis 1. Last evaluated: 2025-04-25. Review status: criteria provided, single submitter. Criteria: Myriad Autosomal Dominant, Autosomal Recessive and X-Linked Classification Criteria (2023). Collection method: clinical testing. Allele origin: unknown.
Comment: This variant is considered likely benign. This variant is intronic and is not expected to impact mRNA splicing.

Labcorp Genetics (formerly Invitae), Labcorp
Classification: Likely benign for Tuberous sclerosis 1. Last evaluated: 2025-04-13. Review status: criteria provided, single submitter. Criteria: Invitae Variant Classification Sherloc (09022015). Collection method: clinical testing. Allele origin: germline.

NM_000368.5(TSC1):c.2502+8_2502+10del

Gene: TSC1 (TSC complex subunit 1; minus strand). Cytogenetic location: 9q34.13.
Variant type: Microsatellite.
Coding change: c.2502+8_2502+10del on transcript NM_000368.5 (MANE Select); bases 8 to 10 of the intron after coding-DNA position 2502, 3 bases deleted (GAA; older notation c.2502+8_2502+10delGAA).
Molecular consequence: intron variant.
Genome position (GRCh38, 1-based): chr9:132,901,579-132,901,581, TTC deleted on the plus strand (GAA on the coding strand, the reverse complement: TSC1 is on the minus strand); deleting any 3 consecutive bases within chr9:132,901,579-132,901,586 gives the same sequence; the c. name uses the placement nearest the transcript's 3' end. VCF-style (leftmost placement, unchanged base first): chr9-132901578-TTTC-T. GRCh37 (hg19) VCF-style: chr9-135776965-TTTC-T.
Other names: c.2139+8_2139+10del (NM_001362177.2); c.2349+8_2349+10del (NM_001162427.2); c.2499+8_2499+10del (NM_001162426.2); c.2502+8_2502+10delGAA (NM_000368.4).
Identifiers: ClinVar variation 416662 (VCV000416662.10), dbSNP rs762882968, ClinGen allele CA032978.
Genomic context (GRCh38, chr9:132,901,578, plus strand): 5'-TAACCTGTCTGAAGGAAGAATGTTAGCAAATGGTGTTTCAGCAGATTCAGGTCTGCCTCA[TTTC>T]TTCTTACCTTTTGGGAAACCTGACTGAGCAGCAGCTCAGTGTGACACACCTTGTTGTTGG-3'